The following is an entry in ClinVar:

NM_003072.5(SMARCA4):c.4189C>A (p.Leu1397Met)

Gene: SMARCA4 (SWI/SNF related BAF chromatin remodeling complex subunit ATPase 4; plus strand). Cytogenetic location: 19p13.2.
Variant type: single nucleotide variant.
Coding change: c.4189C>A on transcript NM_003072.5 (MANE Select); coding-DNA position 4189, C replaced by A.
Protein change: p.Leu1397Met; replaces leucine 1397 with methionine.
Molecular consequence: missense variant. On other transcripts: non-coding transcript variant (1).
Genome position (GRCh38, 1-based): chr19:11,041,325, C>A. VCF-style: chr19-11041325-C-A. GRCh37 (hg19) VCF-style: chr19-11152001-C-A.
Other names: c.4189C>A, p.Leu1397Met (NM_001128844.3); c.4099C>A, p.Leu1367Met (NM_001128845.2, NM_001128846.2); c.4090C>A, p.Leu1364Met (NM_001128847.4, NM_001128848.2, NM_001374457.1); c.4285C>A, p.Leu1429Met (NM_001128849.3, NM_001387283.1); c.4186C>A, p.Leu1396Met (NM_001411150.1); short protein forms L1396M, L1429M, L1367M, L1397M, L1364M.
Identifiers: ClinVar variation 2743925 (VCV002743925.3), dbSNP rs2146813436, ClinGen allele CA404072776.
Genomic context (GRCh38, chr19:11,041,325, plus strand): 5'-CTGGGTGCTGGCTGTCCTATTTTACTACTATTGACCCTGAAGGCCATCGAGGAGGGCACG[C>A]TGGAGGAGATCGAAGAGGAGGTCCGGCAGAAGAAATCATCACGGAAGCGCAAGCGAGACA-3'
Protein context (NP_003063.2, residues 1387-1407): QWLKAIEEGT[Leu1397Met]EEIEEEVRQK

ClinVar aggregate classification (germline): Uncertain significance (1 of 4 stars; one submission).

Conditions:
Rhabdoid tumor predisposition syndrome 2 (RTPS2). Identifiers: Orphanet 231108, Orphanet 69077, MedGen C2750074, MONDO:0013224, OMIM 613325.

Submission:

Labcorp Genetics (formerly Invitae), Labcorp
Classification: Uncertain significance for Rhabdoid tumor predisposition syndrome 2. Last evaluated: 2023-07-16. Review status: criteria provided, single submitter. Criteria: Invitae Variant Classification Sherloc (09022015). Collection method: clinical testing. Allele origin: germline.
Comment: In summary, the available evidence is currently insufficient to determine the role of this variant in disease. Therefore, it has been classified as a Variant of Uncertain Significance. Advanced modeling of protein sequence and biophysical properties (such as structural, functional, and spatial information, amino acid conservation, physicochemical variation, residue mobility, and thermodynamic stability) has been performed at Invitae for this missense variant, however the output from this modeling did not meet the statistical confidence thresholds required to predict the impact of this variant on SMARCA4 protein function. This variant has not been reported in the literature in individuals affected with SMARCA4-related conditions. This variant is not present in population databases (gnomAD no frequency). This sequence change replaces leucine, which is neutral and non-polar, with methionine, which is neutral and non-polar, at codon 1429 of the SMARCA4 protein (p.Leu1429Met).